The following is an entry in ClinVar:

ClinVar aggregate classification (germline): Uncertain significance. Review status: criteria provided, multiple submitters, no conflicts (2 of 4 stars). 2 submissions from 2 submitters: Uncertain significance (2). Last evaluated 2023-06-13.

Conditions:
Inborn genetic diseases. Identifiers: MedGen C0950123, MeSH D030342.

Allele frequency attached by ClinVar (database versions not stated): gnomAD exomes 0.00001 and 0.00002; TOPMed 0.00001; ExAC 0.00002; gnomAD 0.00002.
gnomAD v4.1: 28 of 1,614,132 alleles (0.0017%); highest among the groups gnomAD compares: Non-Finnish European, 0.0014%; no homozygotes.

Submissions (2):

Ambry Genetics
Classification: Uncertain significance for Inborn genetic diseases. Last evaluated: 2023-06-13. Review status: criteria provided, single submitter. Criteria: Ambry Variant Classification Scheme 2023. Collection method: clinical testing. Allele origin: germline.

Labcorp Genetics (formerly Invitae), Labcorp
Classification: Uncertain significance. Last evaluated: 2022-10-25. Review status: criteria provided, single submitter. Criteria: Invitae Variant Classification Sherloc (09022015). Collection method: clinical testing. Allele origin: germline.
Comment: In summary, the available evidence is currently insufficient to determine the role of this variant in disease. Therefore, it has been classified as a Variant of Uncertain Significance. Algorithms developed to predict the effect of missense changes on protein structure and function (SIFT, PolyPhen-2, Align-GVGD) all suggest that this variant is likely to be tolerated. ClinVar contains an entry for this variant (Variation ID: 1346351). This variant has not been reported in the literature in individuals affected with S1PR2-related conditions. This variant is present in population databases (rs747663144, gnomAD 0.004%). This sequence change replaces alanine, which is neutral and non-polar, with valine, which is neutral and non-polar, at codon 36 of the S1PR2 protein (p.Ala36Val).

NM_004230.4(S1PR2):c.107C>T (p.Ala36Val)

Gene: S1PR2 (sphingosine-1-phosphate receptor 2; minus strand). Cytogenetic location: 19p13.2.
Variant type: single nucleotide variant.
Coding change: c.107C>T on transcript NM_004230.4 (MANE Select); coding-DNA position 107, C replaced by T.
Protein change: p.Ala36Val; replaces alanine 36 with valine.
Molecular consequence: missense variant.
Genome position (GRCh38, 1-based): chr19:10,224,799, G>A on the plus strand (C>T on the coding strand, the complement: S1PR2 is on the minus strand). VCF-style: chr19-10224799-G-A. GRCh37 (hg19) VCF-style: chr19-10335475-G-A.
Other names: c.107C>T (NM_004230.3); short protein forms A36V.
Identifiers: ClinVar variation 1346351 (VCV001346351.7), dbSNP rs747663144, ClinGen allele CA9189154.
Genomic context (GRCh38, chr19:10,224,799, plus strand): 5'-ATGAGCACCAGAAGGTTTTCCACCACAATGGCGCAACAGAGGATGACGATGAAGGCCGAG[G>A]CCACCTGGCGGGAGGTCGTCTCCTGCGTTTCCAGCGTCTCCTTGGTATAATTATAGTGTT-3'
Protein context (NP_004221.3, residues 26-46): ETQETTSRQV[Ala36Val]SAFIVILCCA